The following is an entry in ClinVar:

ClinVar aggregate classification (germline): Likely pathogenic (1 of 4 stars; one submission).

Conditions:
Autosomal recessive limb-girdle muscular dystrophy type 2J (LGMDR10). Also called: Limb-girdle muscular dystrophy, type 2J; MUSCULAR DYSTROPHY, LIMB-GIRDLE, AUTOSOMAL RECESSIVE 10. Identifiers: Orphanet 140922, MedGen C1837342, MONDO:0012127, OMIM 608807.
Dilated cardiomyopathy 1G (CMD1G). Identifiers: Orphanet 154, MedGen C1858763, MONDO:0011400, OMIM 604145.

Submission:

Labcorp Genetics (formerly Invitae), Labcorp
Classification: Likely pathogenic for Dilated cardiomyopathy 1G; Autosomal recessive limb-girdle muscular dystrophy type 2J. Last evaluated: 2022-08-12. Review status: criteria provided, single submitter. Criteria: Invitae Variant Classification Sherloc (09022015). Collection method: clinical testing. Allele origin: germline.
Comment: In summary, the currently available evidence indicates that the variant is pathogenic, but additional data are needed to prove that conclusively. Therefore, this variant has been classified as Likely Pathogenic. This variant is located in the A band of TTN (PMID: 25589632). Truncating variants in this region are significantly overrepresented in patients affected with dilated cardiomyopathy (PMID: 25589632). Truncating variants in this region have also been reported in individuals affected with autosomal recessive centronuclear myopathy (PMID: 23975875). This variant has not been reported in the literature in individuals affected with TTN-related conditions. This variant is not present in population databases (gnomAD no frequency). This sequence change creates a premature translational stop signal (p.Leu31473*) in the TTN gene. While this is not anticipated to result in nonsense mediated decay, it is expected to create a truncated TTN protein.

Literature cited by the submitters: PubMed 25589632; PubMed 23975875.

NM_001267550.2(TTN):c.94418T>A (p.Leu31473Ter)

Genes: TTN (titin; minus strand), TTN-AS1 (TTN antisense RNA 1; plus strand). Cytogenetic location: 2q31.2.
Variant type: single nucleotide variant.
Coding change: c.94418T>A on transcript NM_001267550.2 (MANE Select); coding-DNA position 94418, T replaced by A.
Protein change: p.Leu31473Ter; replaces leucine 31473 with a stop codon.
Molecular consequence: nonsense.
Genome position (GRCh38, 1-based): chr2:178,547,107, A>T on the plus strand (T>A on the coding strand, the complement: TTN is on the minus strand). VCF-style: chr2-178547107-A-T. GRCh37 (hg19) VCF-style: chr2-179411834-A-T.
Other names: c.67223T>A, p.Leu22408Ter (NM_003319.4); c.86714T>A, p.Leu28905Ter (NM_133378.4); c.67598T>A, p.Leu22533Ter (NM_133432.3); c.67799T>A, p.Leu22600Ter (NM_133437.4); c.89495T>A, p.Leu29832Ter (NM_001256850.1); short protein forms L22533*, L22600*, L31473*, L28905*, L29832*, L22408*.
Identifiers: ClinVar variation 2023627 (VCV002023627.4), dbSNP rs2469080679, ClinGen allele CA349474159.